The following is an entry in ClinVar:

NM_152384.3(BBS5):c.808G>T (p.Glu270Ter)

Gene: BBS5 (Bardet-Biedl syndrome 5; plus strand). Cytogenetic location: 2q31.1.
Variant type: single nucleotide variant.
Coding change: c.808G>T on transcript NM_152384.3 (MANE Select); coding-DNA position 808, G replaced by T.
Protein change: p.Glu270Ter; replaces glutamic acid 270 with a stop codon.
Molecular consequence: nonsense.
Genome position (GRCh38, 1-based): chr2:169,499,612, G>T. VCF-style: chr2-169499612-G-T. GRCh37 (hg19) VCF-style: chr2-170356122-G-T.
Other names: short protein forms E270*.
Identifiers: ClinVar variation 3661134 (VCV003661134.2).

ClinVar aggregate classification (germline): Pathogenic (1 of 4 stars; one submission).

Conditions:
Bardet-Biedl syndrome (BBS). Identifiers: Orphanet 110, MedGen C0752166, MONDO:0015229.

Submission:

Labcorp Genetics (formerly Invitae), Labcorp
Classification: Pathogenic for Bardet-Biedl syndrome. Last evaluated: 2024-07-31. Review status: criteria provided, single submitter. Criteria: Invitae Variant Classification Sherloc (09022015). Collection method: clinical testing. Allele origin: germline.
Comment: This sequence change creates a premature translational stop signal (p.Glu270*) in the BBS5 gene. It is expected to result in an absent or disrupted protein product. Loss-of-function variants in BBS5 are known to be pathogenic (PMID: 15137946, 16877420, 26325687, 27708425, 28041643, 29806606). This variant is not present in population databases (gnomAD no frequency). This variant has not been reported in the literature in individuals affected with BBS5-related conditions. For these reasons, this variant has been classified as Pathogenic.

Literature cited by the submitters: PubMed 15137946; PubMed 16877420; PubMed 26325687; PubMed 27708425; PubMed 28041643; PubMed 29806606.